The following is an entry in ClinVar:

NM_002485.5(NBN):c.1362dup (p.Ile455fs)

Gene: NBN (nibrin; minus strand). Cytogenetic location: 8q21.3.
Variant type: Duplication.
Coding change: c.1362dup on transcript NM_002485.5 (MANE Select); coding-DNA position 1362, one base duplicated (C; older notation c.1362dupC).
Protein change: p.Ile455fs; shifts the reading frame from isoleucine 455.
Molecular consequence: frameshift variant.
Genome position (GRCh38, 1-based): chr8:89,955,318, G duplicated on the plus strand (C on the coding strand, the reverse complement: NBN is on the minus strand); the first of 2 consecutive G bases (chr8:89,955,318-89,955,319); duplicating either gives the same sequence. VCF-style (leftmost placement, unchanged base first): chr8-89955317-T-TG. GRCh37 (hg19) VCF-style: chr8-90967545-T-TG.
Other names: c.1116dup, p.Ile373fs (NM_001024688.3); short protein forms I373fs, I455fs.
Identifiers: ClinVar variation 1075578 (VCV001075578.7), dbSNP rs2129717307, ClinGen allele CA2499219426.

ClinVar aggregate classification (germline): Pathogenic (1 of 4 stars; one submission).

Conditions:
Microcephaly, normal intelligence and immunodeficiency (NBS). Also called: SEEMANOVA SYNDROME II; Immunodeficiency, microcephaly with normal intelligence; IMMUNODEFICIENCY, MICROCEPHALY, AND CHROMOSOMAL INSTABILITY; Ataxia telangiectasia variant V1; BERLIN BREAKAGE SYNDROME; Nijmegen breakage syndrome. Identifiers: Orphanet 647, MedGen C0398791, MONDO:0009623, OMIM 251260.

Submission:

Labcorp Genetics (formerly Invitae), Labcorp
Classification: Pathogenic for Microcephaly, normal intelligence and immunodeficiency. Last evaluated: 2021-10-09. Review status: criteria provided, single submitter. Criteria: Invitae Variant Classification Sherloc (09022015). Collection method: clinical testing. Allele origin: germline.
Comment: For these reasons, this variant has been classified as Pathogenic. ClinVar contains an entry for this variant (Variation ID: 1075578). This variant has not been reported in the literature in individuals affected with NBN-related conditions. This variant is not present in population databases (ExAC no frequency). This sequence change creates a premature translational stop signal (p.Ile455Hisfs*16) in the NBN gene. It is expected to result in an absent or disrupted protein product. Loss-of-function variants in NBN are known to be pathogenic (PMID: 9590180, 16415040).

Literature cited by the submitters: PubMed 9590180; PubMed 16415040.